The following is an entry in ClinVar:

ClinVar aggregate classification (germline): Uncertain significance (1 of 4 stars; one submission).

Conditions:
TRPC5-related disorder. Also called: TRPC5-related condition.

gnomAD v4.1: 16 of 1,208,041 alleles (0.0013%); highest among the groups gnomAD compares: Non-Finnish European, 0.0016%; no homozygotes.

Submission:

PreventionGenetics, part of Exact Sciences
Classification: Uncertain significance for TRPC5-related condition. Last evaluated: 2025-12-04. Review status: criteria provided, single submitter. Criteria: ACMG Guidelines, 2015. Collection method: clinical testing. Allele origin: germline.
Comment: The TRPC5 c.2115C>G variant is predicted to result in the amino acid substitution p.Asp705Glu. To our knowledge, this variant has not been reported in the literature. This variant is reported in 0.0032% of alleles in individuals of European (Non-Finnish) descent in gnomAD. At this time, the clinical significance of this variant is uncertain due to the absence of conclusive functional and genetic evidence.

NM_012471.3(TRPC5):c.2115C>G (p.Asp705Glu)

Gene: TRPC5 (transient receptor potential cation channel subfamily C member 5; minus strand). Cytogenetic location: Xq23.
Variant type: single nucleotide variant.
Coding change: c.2115C>G on transcript NM_012471.3 (MANE Select); coding-DNA position 2115, C replaced by G.
Protein change: p.Asp705Glu; replaces aspartic acid 705 with glutamic acid.
Molecular consequence: missense variant.
Genome position (GRCh38, 1-based): chrX:111,781,192, G>C on the plus strand (C>G on the coding strand, the complement: TRPC5 is on the minus strand). VCF-style: chrX-111781192-G-C. GRCh37 (hg19) VCF-style: chrX-111024420-G-C.
Other names: short protein forms D705E.
Identifiers: ClinVar variation 4982468 (VCV004982468.1).